The following is an entry in ClinVar:

ClinVar aggregate classification (germline): Pathogenic/Likely pathogenic. Review status: criteria provided, multiple submitters, no conflicts (2 of 4 stars). 8 submissions from 8 submitters: Pathogenic (1); Likely pathogenic (5). 2 of the submissions do not count toward it. Last evaluated 2026-01-27.

Conditions:
AIRE-related disorder. Also called: AIRE-related condition.
Polyglandular autoimmune syndrome, type 1 (APS1). Also called: Autoimmune polyendocrinopathy syndrome , type I, with or without reversible metaphyseal dysplasia; AUTOIMMUNE POLYENDOCRINE SYNDROME, TYPE I, WITH OR WITHOUT REVERSIBLE METAPHYSEAL DYSPLASIA; Autoimmune polyendocrine syndrome type 1; APS I; HYPOADRENOCORTICISM WITH HYPOPARATHYROIDISM AND SUPERFICIAL MONILIASIS; Whitaker syndrome. Identifiers: Orphanet 3453, MedGen C0085859, MONDO:0009411, OMIM 240300.

Allele frequency attached by ClinVar (database versions not stated): gnomAD 0.00006; ESP Exome Variant Server 0.00008; TOPMed 0.00010; 1000 Genomes Project 30x 0.00062.
gnomAD v4.1: 62 of 1,612,516 alleles (0.0038%); highest among the groups gnomAD compares: Admixed American, 0.033%; no homozygotes.

Submissions (8):

Labcorp Genetics (formerly Invitae), Labcorp
Classification: Pathogenic for Polyglandular autoimmune syndrome, type 1. Last evaluated: 2026-01-27. Review status: criteria provided, single submitter. Criteria: Invitae Variant Classification Sherloc (09022015). Collection method: clinical testing. Allele origin: germline.
Comment: This sequence change affects a donor splice site in intron 6 of the AIRE gene. It is expected to disrupt RNA splicing. Variants that disrupt the donor or acceptor splice site typically lead to a loss of protein function (PMID: 16199547), and loss-of-function variants in AIRE are known to be pathogenic (PMID: 11524731, 26141571). This variant is present in population databases (rs138489664, gnomAD 0.006%). Disruption of this splice site has been observed in individual(s) with clinical features of autoimmune polyendocrinopathy syndrome (internal data). In at least one individual the data is consistent with being in trans (on the opposite chromosome) from a pathogenic variant. ClinVar contains an entry for this variant (Variation ID: 487443). Algorithms developed to predict the effect of sequence changes on RNA splicing suggest that this variant may disrupt the consensus splice site. For these reasons, this variant has been classified as Pathogenic.

Natera, Inc.
Classification: Likely pathogenic for Polyglandular autoimmune syndrome type 1. Last evaluated: 2026-01-20. Review status: criteria provided, single submitter. Criteria: Natera Variant Classification Schema (03/2026). Collection method: clinical testing. Allele origin: germline.
Comment: The c.798+1G>A variant in AIRE is a canonical splice donor site variant predicted to affect pre-mRNA splicing, which may result in an abnormal transcript and altered protein product. This variant is expected to result in nonsense mediated decay, truncation, or a dysfunctional protein product. This variant is rare in the general population with a frequency below the threshold expected for the associated phenotype(s). Given the available evidence, this variant is classified as Likely Pathogenic.

Women's Health and Genetics/Laboratory Corporation of America, LabCorp
Classification: Likely pathogenic for Polyglandular autoimmune syndrome, type 1. Last evaluated: 2025-11-03. Review status: criteria provided, single submitter. Criteria: LabCorp Variant Classification Summary - May 2015. Collection method: clinical testing. Allele origin: germline.
Comment: Variant summary: AIRE c.798+1G>A is located in a canonical splice-site and is predicted to affect mRNA splicing resulting in a significantly altered protein due to either exon skipping, shortening, or inclusion of intronic material. Variants that disrupt the consensus splice site are a relatively common cause of aberrant splicing and loss of AIRE function. Several computational tools predict a significant impact on normal splicing: Four predict the variant abolishes a 5' splicing donor site. However, these predictions have yet to be confirmed by functional studies. The variant allele was found at a frequency of 2.8e-05 in 247044 control chromosomes. c.798+1G>A has been observed in individual(s) affected with autosomal recessive Polyglandular autoimmune syndrome, type 1 (internal data). To our knowledge, no experimental evidence demonstrating an impact on protein function has been reported. ClinVar contains an entry for this variant (Variation ID: 487443). Based on the evidence outlined above, the variant was classified as likely pathogenic.

Fulgent Genetics
Classification: Likely pathogenic for Polyglandular autoimmune syndrome, type 1. Last evaluated: 2024-03-28. Review status: criteria provided, single submitter. Criteria: ACMG Guidelines, 2015. Collection method: clinical testing. Allele origin: germline.

Blueprint Genetics
Classification: Likely pathogenic for AIRE-related disorders. Last evaluated: 2018-03-05. Review status: criteria provided, single submitter. Criteria: ACMG Guidelines, 2015. Collection method: clinical testing. Allele origin: germline. Affected: yes. Observed: 3 variant alleles.

Juno Genomics, Hangzhou Juno Genomics, Inc
Classification: Likely pathogenic for Polyglandular autoimmune syndrome, type 1. Review status: criteria provided, single submitter. Criteria: ACMG Guidelines, 2015. Collection method: clinical testing. Allele origin: germline.
Comment: Null variant in a gene where loss of function (LOF) is a known mechanism of disease.;Absent from controls (or at extremely low frequency if recessive) in Genome Aggregation Database.

PreventionGenetics, part of Exact Sciences
Classification: Likely pathogenic for AIRE-related condition. Last evaluated: 2023-12-05. Review status: no assertion criteria provided. Collection method: clinical testing. Allele origin: germline. Not counted in ClinVar's aggregate classification.
Comment: The AIRE c.798+1G>A variant is predicted to disrupt the GT donor site and interfere with normal splicing. To our knowledge, this variant has not been reported in the literature. It reported in 0.0042% of alleles in individuals of African descent in gnomAD. Variants that disrupt the consensus splice donor site in AIRE are expected to be pathogenic. This variant is interpreted as likely pathogenic.

Counsyl
Classification: Likely pathogenic for Polyglandular autoimmune syndrome, type 1. Last evaluated: 2014-07-15. Review status: no assertion criteria provided. Collection method: clinical testing. Allele origin: unknown. Not counted in ClinVar's aggregate classification.

Literature cited by the submitters: PubMed 16199547 (cited by Labcorp Genetics (formerly Invitae), Labcorp); PubMed 11524731 (cited by Labcorp Genetics (formerly Invitae), Labcorp); PubMed 26141571 (cited by Labcorp Genetics (formerly Invitae), Labcorp).

NM_000383.4(AIRE):c.798+1G>A

Gene: AIRE (autoimmune regulator; plus strand). Cytogenetic location: 21q22.3.
Variant type: single nucleotide variant.
Coding change: c.798+1G>A on transcript NM_000383.4 (MANE Select); the canonical splice donor site of the intron after coding-DNA position 798, G replaced by A.
Molecular consequence: splice donor variant.
Genome position (GRCh38, 1-based): chr21:44,289,803, G>A. VCF-style: chr21-44289803-G-A. GRCh37 (hg19) VCF-style: chr21-45709686-G-A.
Identifiers: ClinVar variation 487443 (VCV000487443.21), dbSNP rs138489664, ClinGen allele CA10051714.
Genomic context (GRCh38, chr21:44,289,803, plus strand): 5'-CGCAGCAGCAGTGGCCCGAAGCCTCTGGTTCGAGCCAAGGGAGCCCAGGGCGCTGCCCCC[G>A]TAAGCACCTGACCTTCCCTGGGGAGCCTGGCTCTTGATGCCCCCCGCCCCAGGAACAGCG-3'